The following is an entry in ClinVar:

NM_020041.3(SLC2A9):c.1235C>G (p.Pro412Arg)

Gene: SLC2A9 (solute carrier family 2 member 9; minus strand). Cytogenetic location: 4p16.1.
Variant type: single nucleotide variant.
Coding change: c.1235C>G on transcript NM_020041.3 (MANE Select); coding-DNA position 1235, C replaced by G.
Protein change: p.Pro412Arg; replaces proline 412 with arginine.
Molecular consequence: missense variant.
Genome position (GRCh38, 1-based): chr4:9,887,623, G>C on the plus strand (C>G on the coding strand, the complement: SLC2A9 is on the minus strand). VCF-style: chr4-9887623-G-C. GRCh37 (hg19) VCF-style: chr4-9889247-G-C.
Other names: c.1148C>G, p.Pro383Arg (NM_001001290.2); short protein forms P412R, P383R.
Identifiers: ClinVar variation 4598 (VCV000004598.4), dbSNP rs121908323, ClinGen allele CA116943.

ClinVar aggregate classification (germline): Uncertain significance. Review status: criteria provided, single submitter (1 of 4 stars). 2 submissions from 2 submitters: Uncertain significance (1). 1 of the submissions does not count toward it. Last evaluated 2026-01-19.

Conditions:
Hypouricemia, renal, 2. Also called: HYPOURICEMIA, RENAL, 2, AUTOSOMAL DOMINANT; HYPOURICEMIA, RENAL, 2, AUTOSOMAL RECESSIVE. Identifiers: MedGen C2677549, MONDO:0012793, OMIM 612076.

Allele frequency attached by ClinVar (database versions not stated): gnomAD exomes 0.00001; ExAC 0.00004.
gnomAD v4.1: 40 of 1,556,240 alleles (0.0026%); highest among the groups gnomAD compares: East Asian, 0.096%; no homozygotes.

Submissions (2):

Dasa
Classification: Uncertain significance. Last evaluated: 2026-01-19. Review status: criteria provided, single submitter. Criteria: DASA Assertion Criteria. Collection method: clinical testing. Allele origin: germline.
Comment: NM_020041.3(SLC2A9):c.1235C>G (p.Pro412Arg) is a missense variant that results in the substitution of proline with arginine. This variant has been recurrently observed in individuals with SLC2A9-related disorders (PMID: 18701466; PMID: 29967582). Functional evidence supports an impact on the gene or gene product (PMID: 18701466; PMID: 29967582). Also, this variant is rare in population databases. The currently available literature and clinical evidence are not sufficient to establish a definitive association between this variant and the reported condition. Therefore, this variant is classified as a variant of uncertain significance.

OMIM
Classification: Pathogenic for HYPOURICEMIA, RENAL, 2, AUTOSOMAL DOMINANT. Last evaluated: 2008-10-03. Review status: no assertion criteria provided. Collection method: literature only. Allele origin: germline. Not counted in ClinVar's aggregate classification.

Literature cited by the submitters: PubMed 18701466 (cited by Dasa and OMIM); PubMed 29967582 (cited by Dasa).